The following is an entry in ClinVar:

NM_181882.3(PRX):c.4119GGTCCG[3] (p.1374VR[3])

Gene: PRX (periaxin; minus strand). Cytogenetic location: 19q13.2.
Variant type: Microsatellite.
Coding change: c.4119GGTCCG[3] on transcript NM_181882.3 (MANE Select); three copies in a row of the 6-base unit GGTCCG starting at c.4119; the reference has two copies in a row; one copy, 6 bases duplicated.
Protein change: p.1374VR[3].
Molecular consequence: inframe insertion. On other transcripts: 3 prime UTR variant (1).
Genome position (GRCh38, 1-based): chr19:40,394,222-40,394,227, CGGACC duplicated on the plus strand (GGTCCG on the coding strand, the reverse complement: PRX is on the minus strand); duplicating any 6 consecutive bases within chr19:40,394,222-40,394,236 gives the same sequence; the position shown is the placement nearest the transcript's 3' end. VCF-style (leftmost placement, unchanged base first): chr19-40394221-G-GCGGACC. GRCh37 (hg19) VCF-style: chr19-40900128-G-GCGGACC.
Other names: c.4125_4130dupGGTCCG (NM_181882.2); c.*4324GGTCCG[3] (NM_020956.2).
Identifiers: ClinVar variation 645608 (VCV000645608.8), dbSNP rs748943829, ClinGen allele CA9443684.

ClinVar aggregate classification (germline): Uncertain significance (1 of 4 stars; one submission).

Conditions:
Charcot-Marie-Tooth disease type 4. Also called: Charcot-Marie-Tooth disease, type IV; Charcot-Marie-Tooth, Type 4. Identifiers: Orphanet 64749, MedGen C4082197, MONDO:0018995.

Submission:

Labcorp Genetics (formerly Invitae), Labcorp
Classification: Uncertain significance for Charcot-Marie-Tooth disease type 4. Last evaluated: 2020-02-17. Review status: criteria provided, single submitter. Criteria: Invitae Variant Classification Sherloc (09022015). Collection method: clinical testing. Allele origin: germline.
Comment: In summary, the available evidence is currently insufficient to determine the role of this variant in disease. Therefore, it has been classified as a Variant of Uncertain Significance. Algorithms developed to predict the effect of sequence changes on RNA splicing suggest that this variant may create or strengthen a splice site, but this prediction has not been confirmed by published transcriptional studies. Experimental studies and prediction algorithms are not available for this variant, and the functional significance of the affected amino acid(s) is currently unknown. This variant has not been reported in the literature in individuals with PRX-related disease. The frequency data for this variant in the population databases is considered unreliable, as metrics indicate poor data quality at this position in the ExAC database. This variant, c.4125_4130dupGGTCCG, results in the insertion of 2 amino acid(s) to the PRX protein (p.Val1376_Arg1377dup), but otherwise preserves the integrity of the reading frame.